The following is an entry in ClinVar:

ClinVar aggregate classification (germline): Benign/Likely benign. Review status: criteria provided, multiple submitters, no conflicts (2 of 4 stars). 6 submissions from 6 submitters: Benign (4); Likely benign (1). 1 of the submissions does not count toward it. Last evaluated 2026-01-26.

Conditions:
Congenital stationary night blindness 1E. Also called: Night blindness, congenital stationary (complete), 1E, autosomal recessive. Identifiers: Orphanet 215, MedGen C3281215, MONDO:0013807, OMIM 614565.

Allele frequency attached by ClinVar (database versions not stated): gnomAD 0.00041; TOPMed 0.00076; gnomAD exomes 0.00119; ExAC 0.00122; 1000 Genomes Project 30x 0.00297; 1000 Genomes Project 0.00300.
gnomAD v4.1: 821 of 1,614,018 alleles (0.051%); highest among the groups gnomAD compares: East Asian, 1.6%; 11 homozygotes.

Submissions (6):

Labcorp Genetics (formerly Invitae), Labcorp
Classification: Benign. Last evaluated: 2026-01-26. Review status: criteria provided, single submitter. Criteria: Invitae Variant Classification Sherloc (09022015). Collection method: clinical testing. Allele origin: germline.

Blueprint Genetics
Classification: Likely benign. Last evaluated: 2024-11-15. Review status: criteria provided, single submitter. Criteria: ACMG Guidelines, 2015. Collection method: clinical testing. Allele origin: germline.

Illumina Laboratory Services, Illumina
Classification: Benign for Congenital stationary night blindness 1E. Last evaluated: 2018-01-12. Review status: criteria provided, single submitter. Criteria: ICSL Variant Classification Criteria 13 December 2019. Collection method: clinical testing. Allele origin: germline.
Comment: This variant was observed in the ICSL laboratory as part of a predisposition screen in an ostensibly healthy population. It had not been previously curated by ICSL or reported in the Human Gene Mutation Database (HGMD: prior to June 1st, 2018), and was therefore a candidate for classification through an automated scoring system. Utilizing variant allele frequency, disease prevalence and penetrance estimates, and inheritance mode, an automated score was calculated to assess if this variant is too frequent to cause the disease. Based on the score and internal cut-off values, a variant classified as benign is not then subjected to further curation. The score for this variant resulted in a classification of benign for this disease.

Clinical Genetics DNA and cytogenetics Diagnostics Lab, Erasmus MC, Erasmus Medical Center
Classification: Benign for Congenital stationary night blindness 1E. Last evaluated: 2017-10-12. Review status: criteria provided, single submitter. Criteria: ACGS Guidelines, 2013. Collection method: clinical testing. Allele origin: germline. Affected: yes. Study: VKGL Data-share Consensus.

Breakthrough Genomics
Classification: Benign. Review status: criteria provided, single submitter. Criteria: ACMG Guidelines, 2015. Collection method: not provided. Allele origin: germline. Inheritance: Autosomal recessive inheritance. Affected: yes.

Clinical Genetics, Academic Medical Center
Classification: Benign. Review status: no assertion criteria provided. Collection method: clinical testing. Allele origin: germline. Affected: yes. Study: VKGL Data-share Consensus. Not counted in ClinVar's aggregate classification.

NM_001004334.4(GPR179):c.2022C>T (p.Asp674=)

Gene: GPR179 (G protein-coupled receptor 179; minus strand). Cytogenetic location: 17q12.
Variant type: single nucleotide variant.
Coding change: c.2022C>T on transcript NM_001004334.4 (MANE Select); coding-DNA position 2022, C replaced by T.
Protein change: p.Asp674=; no amino-acid change (aspartic acid 674 retained).
Molecular consequence: synonymous variant.
Genome position (GRCh38, 1-based): chr17:38,333,266, G>A on the plus strand (C>T on the coding strand, the complement: GPR179 is on the minus strand). VCF-style: chr17-38333266-G-A. GRCh37 (hg19) VCF-style: chr17-36489149-G-A.
Identifiers: ClinVar variation 323014 (VCV000323014.18), dbSNP rs79623844, ClinGen allele CA10650037.
Genomic context (GRCh38, chr17:38,333,266, plus strand): 5'-TCCTAAAAGCTAGCATTGAAAGGAGGCAGGGAGGGTGGCACATACCCGAATGTCTCCAGG[G>A]TCCAGGCTGTGCTCACTCCAGGCTGAGGCGATGCTGCTGCCAAGGTAGGAGCCTGAGTGC-3'
Protein context (NP_001004334.3, residues 664-684): IASAWSEHSL[Asp674=]PGDIRDELKK